The following is an entry in ClinVar:

ClinVar aggregate classification (germline): Uncertain significance. Review status: criteria provided, multiple submitters, no conflicts (2 of 4 stars). 3 submissions from 3 submitters: Uncertain significance (2). 1 of the submissions does not count toward it. Last evaluated 2024-11-27.

Conditions:
Odonto-onycho-dermal dysplasia. Identifiers: Orphanet 2721, MedGen C0796093, MONDO:0009773, OMIM 257980.
Tooth agenesis, selective, 4 (STHAG4). Also called: LATERAL INCISORS, ABSENCE OF; LATERAL INCISORS, PEGGED OR MISSING; SUCCEDANEOUS TEETH, AGENESIS OF; TOOTH AGENESIS, SELECTIVE, 4, WITH OR WITHOUT ECTODERMAL DYSPLASIA. Identifiers: Orphanet 99798, MedGen C1835492, MONDO:0007881, OMIM 150400. Disease mechanism: loss of function.
Schöpf-Schulz-Passarge syndrome. Also called: ECCRINE TUMORS WITH ECTODERMAL DYSPLASIA; KERATOSIS PALMOPLANTARIS WITH CYSTIC EYELIDS, HYPODONTIA, AND HYPOTRICHOSIS; SchC6pf-Schulz-Passarge syndrome. Identifiers: Orphanet 50944, MedGen C1857069, MONDO:0009145, OMIM 224750.
Inborn genetic diseases. Identifiers: MedGen C0950123, MeSH D030342.

Allele frequency attached by ClinVar (database versions not stated): gnomAD exomes 0.00003.

Submissions (3):

Labcorp Genetics (formerly Invitae), Labcorp
Classification: Uncertain significance for Tooth agenesis, selective, 4; Odonto-onycho-dermal dysplasia. Last evaluated: 2024-11-27. Review status: criteria provided, single submitter. Criteria: Invitae Variant Classification Sherloc (09022015). Collection method: clinical testing. Allele origin: germline.
Comment: This sequence change replaces arginine, which is basic and polar, with histidine, which is basic and polar, at codon 305 of the WNT10A protein (p.Arg305His). The frequency data for this variant in the population databases is considered unreliable, as metrics indicate poor data quality at this position in the gnomAD database. This variant has not been reported in the literature in individuals affected with WNT10A-related conditions. ClinVar contains an entry for this variant (Variation ID: 969520). Invitae Evidence Modeling of protein sequence and biophysical properties (such as structural, functional, and spatial information, amino acid conservation, physicochemical variation, residue mobility, and thermodynamic stability) indicates that this missense variant is not expected to disrupt WNT10A protein function with a negative predictive value of 80%. In summary, the available evidence is currently insufficient to determine the role of this variant in disease. Therefore, it has been classified as a Variant of Uncertain Significance.

Ambry Genetics
Classification: Uncertain significance for Inborn genetic diseases. Last evaluated: 2022-12-19. Review status: criteria provided, single submitter. Criteria: Ambry Variant Classification Scheme 2023. Collection method: clinical testing. Allele origin: germline.

Natera, Inc.
Classification: Uncertain significance for Schopf-Schulz-Passarge syndrome. Last evaluated: 2019-10-29. Review status: no assertion criteria provided. Collection method: clinical testing. Allele origin: germline. Not counted in ClinVar's aggregate classification.

NM_025216.3(WNT10A):c.914G>A (p.Arg305His)

Gene: WNT10A (Wnt family member 10A; plus strand). Cytogenetic location: 2q35.
Variant type: single nucleotide variant.
Coding change: c.914G>A on transcript NM_025216.3 (MANE Select); coding-DNA position 914, G replaced by A.
Protein change: p.Arg305His; replaces arginine 305 with histidine.
Molecular consequence: missense variant.
Genome position (GRCh38, 1-based): chr2:218,892,931, G>A. VCF-style: chr2-218892931-G-A. GRCh37 (hg19) VCF-style: chr2-219757653-G-A.
Other names: short protein forms R305H.
Identifiers: ClinVar variation 969520 (VCV000969520.8), dbSNP rs746769946, ClinGen allele CA2114067.
Genomic context (GRCh38, chr2:218,892,931, plus strand): 5'-CCGTGGGGGCGCTGCTGCGCAGCCGCTTCCACCGCGCCACGCTCATCCGGCCGCACAACC[G>A]CAACGGCGGCCAGCTGGAGCCGGGCCCAGCGGGGGCACCCTCGCCGGCTCCGGGCGCTCC-3'
Protein context (NP_079492.2, residues 295-315): HRATLIRPHN[Arg305His]NGGQLEPGPA